The following is an entry in ClinVar:

ClinVar aggregate classification (germline): Pathogenic (1 of 4 stars; one submission).

Conditions:
Hereditary cancer-predisposing syndrome. Also called: Neoplastic Syndromes, Hereditary; Tumor predisposition; Hereditary Cancer Syndrome; Hereditary neoplastic syndrome. Identifiers: Orphanet 140162, MedGen C0027672, MeSH D009386, MONDO:0015356.

Submission:

Ambry Genetics
Classification: Pathogenic for Hereditary cancer-predisposing syndrome. Last evaluated: 2026-06-09. Review status: criteria provided, single submitter. Criteria: Ambry Variant Classification Scheme 2023. Collection method: clinical testing. Allele origin: germline.
Comment: The p.V84E pathogenic mutation (also known as c.251T>A), located in coding exon 1 of the VHL gene, results from a T to A substitution at nucleotide position 251. The valine at codon 84 is replaced by glutamic acid, an amino acid with dissimilar properties. This variant was determined to be functionally deleterious in one saturation genome editing assay (Buckley M et al. Nat Genet, 2024 Jul;56:1446-1455). Other variant(s) at the same codon, p.V84M (c.250G>A) and p.V84L (c.250G>C), have been reported in individual(s) with features consistent with von Hippel-Lindau (VHL) (Crossey PA et al. J. Med. Genet.1995 Nov; 32(11):885-6; Abbott MA et al. Am. J. Med. Genet. A 2006 Apr; 140(7):685-90; Stanojevic BR et al. Neoplasma. 2007;54(5):402-6; Vignjevic J et al. 2007; Leonardi E et al. Ann. Hum. Genet. 2011 Jul; 75(4):483-96). This amino acid position is highly conserved in available vertebrate species. In addition, this alteration is predicted to be deleterious by in silico analysis. This variant is considered to be rare based on population cohorts in the Genome Aggregation Database (gnomAD). Based on the supporting evidence, this variant is interpreted as a disease-causing mutation.

Literature cited by the submitters: PubMed 27530247; PubMed 38969834.

NM_000551.4(VHL):c.251T>A (p.Val84Glu)

Gene: VHL (von Hippel-Lindau tumor suppressor; plus strand). Cytogenetic location: 3p25.3.
Variant type: single nucleotide variant.
Coding change: c.251T>A on transcript NM_000551.4 (MANE Select); coding-DNA position 251, T replaced by A.
Protein change: p.Val84Glu; replaces valine 84 with glutamic acid.
Molecular consequence: missense variant.
Genome position (GRCh38, 1-based): chr3:10,142,098, T>A. VCF-style: chr3-10142098-T-A. GRCh37 (hg19) VCF-style: chr3-10183782-T-A.
Other names: c.251T>A, p.Val84Glu (NM_001354723.2, NM_198156.3); short protein forms V84E.
Identifiers: ClinVar variation 1792522 (VCV001792522.3), dbSNP rs1264207864, ClinGen allele CA351750592.
Genomic context (GRCh38, chr3:10,142,098, plus strand): 5'-GCTCGGTGAACTCGCGCGAGCCCTCCCAGGTCATCTTCTGCAATCGCAGTCCGCGCGTCG[T>A]GCTGCCCGTATGGCTCAACTTCGACGGCGAGCCGCAGCCCTACCCAACGCTGCCGCCTGG-3'
Protein context (NP_000542.1, residues 74-94): VIFCNRSPRV[Val84Glu]LPVWLNFDGE